The following is an entry in ClinVar:

NM_080605.4(B3GALT6):c.175C>G (p.Leu59Val)

Gene: B3GALT6 (beta-1,3-galactosyltransferase 6; plus strand). Cytogenetic location: 1p36.33.
Variant type: single nucleotide variant.
Coding change: c.175C>G on transcript NM_080605.4 (MANE Select); coding-DNA position 175, C replaced by G.
Protein change: p.Leu59Val; replaces leucine 59 with valine.
Molecular consequence: missense variant.
Genome position (GRCh38, 1-based): chr1:1,232,453, C>G. VCF-style: chr1-1232453-C-G. GRCh37 (hg19) VCF-style: chr1-1167833-C-G.
Other names: short protein forms L59V.
Identifiers: ClinVar variation 1192952 (VCV001192952.6), dbSNP rs963500907, ClinGen allele CA16755129.

ClinVar aggregate classification (germline): Uncertain significance. Review status: criteria provided, multiple submitters, no conflicts (2 of 4 stars). 3 submissions from 3 submitters: Uncertain significance (3). Last evaluated 2025-12-15.

Conditions:
Inborn genetic diseases. Identifiers: MedGen C0950123, MeSH D030342.
Spondyloepimetaphyseal dysplasia with joint laxity (SEMDJL). Identifiers: MedGen C0432243, MONDO:0019675.
Ehlers-Danlos syndrome, spondylodysplastic type, 2 (EDSSPD2). Also called: Ehlers-Danlos syndrome, progeroid type, 2. Identifiers: Orphanet 536467, Orphanet 75496, MedGen C3809210, MONDO:0014139, OMIM 615349.

gnomAD v4.1: 6 of 1,001,654 alleles (0.0006%); highest among the groups gnomAD compares: Non-Finnish European, 0.00071%; no homozygotes.

Submissions (3):

Ambry Genetics
Classification: Uncertain significance for Inborn genetic diseases. Last evaluated: 2025-12-15. Review status: criteria provided, single submitter. Criteria: Ambry Variant Classification Scheme 2023. Collection method: clinical testing. Allele origin: germline.

Labcorp Genetics (formerly Invitae), Labcorp
Classification: Uncertain significance for Ehlers-Danlos syndrome, spondylodysplastic type, 2; Spondyloepimetaphyseal dysplasia with joint laxity. Last evaluated: 2024-04-13. Review status: criteria provided, single submitter. Criteria: Invitae Variant Classification Sherloc (09022015). Collection method: clinical testing. Allele origin: germline.
Comment: This sequence change replaces leucine, which is neutral and non-polar, with valine, which is neutral and non-polar, at codon 59 of the B3GALT6 protein (p.Leu59Val). The frequency data for this variant in the population databases is considered unreliable, as metrics indicate insufficient coverage at this position in the gnomAD database. This variant has not been reported in the literature in individuals affected with B3GALT6-related conditions. ClinVar contains an entry for this variant (Variation ID: 1192952). Advanced modeling of protein sequence and biophysical properties (such as structural, functional, and spatial information, amino acid conservation, physicochemical variation, residue mobility, and thermodynamic stability) performed at Invitae indicates that this missense variant is not expected to disrupt B3GALT6 protein function with a negative predictive value of 80%. In summary, the available evidence is currently insufficient to determine the role of this variant in disease. Therefore, it has been classified as a Variant of Uncertain Significance.

GeneDx
Classification: Uncertain significance. Last evaluated: 2019-08-13. Review status: criteria provided, single submitter. Criteria: GeneDx Variant Classification Process June 2021. Collection method: clinical testing. Allele origin: germline. Affected: yes.
Comment: Not observed in large population cohorts (Lek et al., 2016); Has not been previously published as pathogenic or benign to our knowledge